The following is an entry in ClinVar:

NM_001164760.2(PRKAR1B):c.233A>G (p.His78Arg)

Gene: PRKAR1B (protein kinase cAMP-dependent type I regulatory subunit beta; minus strand). Cytogenetic location: 7p22.3.
Variant type: single nucleotide variant.
Coding change: c.233A>G on transcript NM_001164760.2 (MANE Select); coding-DNA position 233, A replaced by G.
Protein change: p.His78Arg; replaces histidine 78 with arginine.
Molecular consequence: missense variant.
Genome position (GRCh38, 1-based): chr7:680,671, T>C on the plus strand (A>G on the coding strand, the complement: PRKAR1B is on the minus strand). VCF-style: chr7-680671-T-C. GRCh37 (hg19) VCF-style: chr7-720308-T-C.
Other names: p.His78Arg; c.233A>G, p.His78Arg (NM_001164758.2, NM_001164759.1, NM_001164761.2 and 2 more transcripts); short protein forms H78R.
Identifiers: ClinVar variation 3379732 (VCV003379732.2).
Genomic context (GRCh38, chr7:680,671, plus strand): 5'-CCTCGCCGGCGGCGGGCCTTCACCACAGGGTTCGGGGGGGTGGGCGACACCTCCTCATCA[T>C]GGGAGTCCGACTGTGAGTTTGACTTTTGCCGCGCCAAAATCTGCCTGTTTTCTTCCTGTG-3'
Protein context (NP_001158232.1, residues 68-88): RQKSNSQSDS[His78Arg]DEEVSPTPPN

ClinVar aggregate classification (germline): Uncertain significance (1 of 4 stars; one submission).

gnomAD v4.1: 41 of 1,613,606 alleles (0.0025%); highest among the groups gnomAD compares: Non-Finnish European, 0.0034%; no homozygotes.

Submission:

Mayo Clinic Laboratories, Mayo Clinic
Classification: Uncertain significance. Last evaluated: 2024-12-20. Review status: criteria provided, single submitter. Criteria: ACMG Guidelines, 2015. Collection method: clinical testing. Allele origin: germline. Observed: 2 variant alleles.
Comment: BS2